The following is an entry in ClinVar:

ClinVar aggregate classification (germline): Benign/Likely benign. Review status: criteria provided, multiple submitters, no conflicts (2 of 4 stars). 4 submissions from 4 submitters: Benign (1); Likely benign (3). Last evaluated 2025-12-06.

Conditions:
Hereditary cancer-predisposing syndrome. Also called: Hereditary Cancer Syndrome; Neoplastic Syndromes, Hereditary; Hereditary neoplastic syndrome; Tumor predisposition. Identifiers: Orphanet 140162, MedGen C0027672, MeSH D009386, MONDO:0015356.
Familial cancer of breast. Also called: Hereditary breast cancer; hereditary breast carcinoma; BREAST CANCER, FAMILIAL. Identifiers: Orphanet 227535, MedGen C0346153, MONDO:0016419, OMIM 114480. Disease mechanism: loss of function.
Fanconi anemia complementation group J. Also called: BRIP1-Related Fanconi Anemia. Identifiers: Orphanet 84, MedGen C1836860, MONDO:0012187, OMIM 609054.

Submissions (4):

Labcorp Genetics (formerly Invitae), Labcorp
Classification: Likely benign for Familial cancer of breast; Fanconi anemia complementation group J. Last evaluated: 2025-12-06. Review status: criteria provided, single submitter. Criteria: Invitae Variant Classification Sherloc (09022015). Collection method: clinical testing. Allele origin: germline.

Myriad Genetics, Inc.
Classification: Benign for Familial cancer of breast. Last evaluated: 2024-08-27. Review status: criteria provided, single submitter. Criteria: Myriad Autosomal Dominant, Autosomal Recessive and X-Linked Classification Criteria (2023). Collection method: clinical testing. Allele origin: unknown.
Comment: This variant is considered benign. This variant is a silent/synonymous amino acid change and it is not expected to impact splicing.

Color Diagnostics, LLC DBA Color Health
Classification: Likely benign for Hereditary cancer-predisposing syndrome. Last evaluated: 2020-08-04. Review status: criteria provided, single submitter. Criteria: ACMG Guidelines, 2015. Collection method: clinical testing. Allele origin: germline.

Ambry Genetics
Classification: Likely benign for Hereditary cancer-predisposing syndrome. Last evaluated: 2017-09-25. Review status: criteria provided, single submitter. Criteria: Ambry Variant Classification Scheme 2023. Collection method: clinical testing. Allele origin: germline.

NM_032043.3(BRIP1):c.1428T>C (p.Thr476=)

Gene: BRIP1 (BRCA1 interacting DNA helicase 1; minus strand). Cytogenetic location: 17q23.2.
Variant type: single nucleotide variant.
Coding change: c.1428T>C on transcript NM_032043.3 (MANE Select); coding-DNA position 1428, T replaced by C.
Protein change: p.Thr476=; no amino-acid change (threonine 476 retained).
Molecular consequence: synonymous variant.
Genome position (GRCh38, 1-based): chr17:61,793,642, A>G on the plus strand (T>C on the coding strand, the complement: BRIP1 is on the minus strand). VCF-style: chr17-61793642-A-G. GRCh37 (hg19) VCF-style: chr17-59871003-A-G.
Identifiers: ClinVar variation 819174 (VCV000819174.17), dbSNP rs1603340327, ClinGen allele CA501151273.
Genomic context (GRCh38, chr17:61,793,642, plus strand): 5'-GAAAAAATATCTTACCTGCAAAATGGGAAAAGTAGCAGTGGTGATACCCATTTTGTGTAA[A>G]GTTAAGAGCATTTCATTTCCACTCCATATTTTACAAGCTGATTCATAATCTCTTTCTACA-3'
Protein context (NP_114432.2, residues 466-486): KIWSGNEMLL[Thr476=]LHKMGITTAT